The following is an entry in ClinVar:

ClinVar aggregate classification (germline): Likely pathogenic (1 of 4 stars; one submission).

Conditions:
Diets-Jongmans syndrome. Also called: INTELLECTUAL DEVELOPMENTAL DISORDER WITH DISTINCTIVE FACIAL DYSMORPHISM. Identifiers: MedGen C5394263, MONDO:0030012, OMIM 618846.

Submission:

Genetics Laboratory, UDIAT-Centre Diagnòstic, Hospital Universitari Parc Tauli
Classification: Likely pathogenic for Diets-Jongmans syndrome. Last evaluated: 2023-05-16. Review status: criteria provided, single submitter. Criteria: ACMG Guidelines, 2015. Collection method: clinical testing. Allele origin: unknown. Inheritance: Autosomal dominant inheritance. Affected: yes.
Comment: PVS1_very strong;PM2_supporting

NM_016604.4(KDM3B):c.4926del (p.Asp1643fs)

Gene: KDM3B (lysine demethylase 3B; plus strand). Cytogenetic location: 5q31.2.
Variant type: Deletion.
Coding change: c.4926del on transcript NM_016604.4 (MANE Select); coding-DNA position 4926, one base deleted (T; older notation c.4926delT).
Protein change: p.Asp1643fs; shifts the reading frame from aspartic acid 1643.
Molecular consequence: frameshift variant.
Genome position (GRCh38, 1-based): chr5:138,430,281, T deleted. VCF-style (leftmost placement, unchanged base first): chr5-138430280-CT-C. GRCh37 (hg19) VCF-style: chr5-137765969-CT-C.
Other names: short protein forms D1643fs.
Identifiers: ClinVar variation 3897575 (VCV003897575.1).